The following is an entry in ClinVar:

ClinVar aggregate classification (germline): Uncertain significance (1 of 4 stars; one submission).

Conditions:
Autosomal dominant polycystic kidney disease. Identifiers: Orphanet 730, MedGen C0085413, MONDO:0004691.

Submission:

Labcorp Genetics (formerly Invitae), Labcorp
Classification: Uncertain significance for Autosomal dominant polycystic kidney disease. Last evaluated: 2025-07-30. Review status: criteria provided, single submitter. Criteria: Invitae Variant Classification Sherloc (09022015). Collection method: clinical testing. Allele origin: germline.
Comment: This sequence change replaces phenylalanine, which is neutral and non-polar, with isoleucine, which is neutral and non-polar, at codon 445 of the PKD2 protein (p.Phe445Ile). This variant is not present in population databases (gnomAD no frequency). This variant has not been reported in the literature in individuals affected with PKD2-related conditions. Invitae Evidence Modeling of protein sequence and biophysical properties (such as structural, functional, and spatial information, amino acid conservation, physicochemical variation, residue mobility, and thermodynamic stability) indicates that this missense variant is not expected to disrupt PKD2 protein function with a negative predictive value of 80%. In summary, the available evidence is currently insufficient to determine the role of this variant in disease. Therefore, it has been classified as a Variant of Uncertain Significance.

NM_000297.4(PKD2):c.1333T>A (p.Phe445Ile)

Gene: PKD2 (polycystin 2, transient receptor potential cation channel; plus strand). Cytogenetic location: 4q22.1.
Variant type: single nucleotide variant.
Coding change: c.1333T>A on transcript NM_000297.4 (MANE Select); coding-DNA position 1333, T replaced by A.
Protein change: p.Phe445Ile; replaces phenylalanine 445 with isoleucine.
Molecular consequence: missense variant. On other transcripts: non-coding transcript variant (1).
Genome position (GRCh38, 1-based): chr4:88,046,655, T>A. VCF-style: chr4-88046655-T-A. GRCh37 (hg19) VCF-style: chr4-88967807-T-A.
Other names: c.1108T>A, p.Phe370Ile (NM_001440544.1); short protein forms F370I, F445I.
Identifiers: ClinVar variation 4773290 (VCV004773290.1).
Genomic context (GRCh38, chr4:88,046,655, plus strand): 5'-CATGTGTTGTTGTTGTTATTGTTTTAATTGTTCTTATTTACATGCAGGTTATTGGTTGAA[T>A]TCCCAGCAACAGGTGGTGTGATTCCATCTTGGCAATTTCAGCCTTTAAAGCTGATCCGAT-3'
Protein context (NP_000288.1, residues 435-455): LFCVVRLLVE[Phe445Ile]PATGGVIPSW